The following is an entry in ClinVar:

NM_001754.5(RUNX1):c.453G>T (p.Met151Ile)

Genes: RUNX1 (RUNX family transcription factor 1; minus strand), RUNX1-AS1 (RUNX1 antisense RNA 1; plus strand). Cytogenetic location: 21q22.12.
Variant type: single nucleotide variant.
Coding change: c.453G>T on transcript NM_001754.5 (MANE Select); coding-DNA position 453, G replaced by T.
Protein change: p.Met151Ile; replaces methionine 151 with isoleucine.
Molecular consequence: missense variant.
Genome position (GRCh38, 1-based): chr21:34,880,612, C>A on the plus strand (G>T on the coding strand, the complement: RUNX1 is on the minus strand). VCF-style: chr21-34880612-C-A. GRCh37 (hg19) VCF-style: chr21-36252909-C-A.
Other names: NM_001754.5(RUNX1):c.453G>T; p.Met151Ile; c.372G>T, p.Met124Ile (NM_001001890.3, NM_001122607.2); short protein forms M124I, M151I.
Identifiers: ClinVar variation 2096033 (VCV002096033.5), dbSNP rs755340590, ClinGen allele CA10014511.

ClinVar aggregate classification (germline): Uncertain significance. Review status: reviewed by expert panel (3 of 4 stars). 2 submissions from 2 submitters: Uncertain significance (1). 1 of the submissions does not count toward it. Last evaluated 2025-01-15.

Conditions:
Hereditary thrombocytopenia and hematologic cancer predisposition syndrome. Identifiers: Orphanet 71290, MedGen CN281654, MONDO:0011071.
Hereditary thrombocytopenia and hematological cancer predisposition syndrome associated with RUNX1. Also called: Familial Platelet Disorder with Propensity to Acute Myelogenous Leukemia; Familial thrombocytopenia with propensity to acute myelogenous leukemia; PLATELET DISORDER, ASPIRIN-LIKE; RUNX1 Familial Platelet Disorder with Associated Myeloid Malignancies. Identifiers: Orphanet 71290, MedGen C1832388, MeSH C563324, MONDO:0100083, OMIM 601399.

Allele frequency attached by ClinVar (database versions not stated): gnomAD exomes below 0.00001; ExAC 0.00001.

Submissions (2):

ClinGen Myeloid Malignancy Variant Curation Expert Panel
Classification: Uncertain significance for Hereditary thrombocytopenia and hematologic cancer predisposition syndrome. Last evaluated: 2025-01-15. Review status: reviewed by expert panel. Criteria: ClinGen MyeloMalig ACMG Specifications v2. Collection method: curation. Allele origin: germline. Inheritance: Autosomal dominant inheritance.
Comment: NM_001754.5(RUNX1):c.453G>T (p.Met151Ile) is a missense variant which is located within the Runt Homology Domain (AA 89-204) but does not occur in an established hotspot residue (PM1_supporting). In summary, the clinical significance of this variant is uncertain. ACMG/AMP criteria applied, as specified by the Myeloid Malignancy Variant Curation Expert Panel for RUNX1: PM1_supporting.

Labcorp Genetics (formerly Invitae), Labcorp
Classification: Uncertain significance for Hereditary thrombocytopenia and hematological cancer predisposition syndrome associated with RUNX1. Last evaluated: 2022-02-10. Review status: criteria provided, single submitter. Criteria: Invitae Variant Classification Sherloc (09022015). Collection method: clinical testing. Allele origin: germline. Not counted in ClinVar's aggregate classification.
Comment: In summary, the available evidence is currently insufficient to determine the role of this variant in disease. Therefore, it has been classified as a Variant of Uncertain Significance. Algorithms developed to predict the effect of missense changes on protein structure and function (SIFT, PolyPhen-2, Align-GVGD) all suggest that this variant is likely to be tolerated. This variant has not been reported in the literature in individuals affected with RUNX1-related conditions. This variant is present in population databases (rs755340590, gnomAD 0.0009%). This sequence change replaces methionine, which is neutral and non-polar, with isoleucine, which is neutral and non-polar, at codon 151 of the RUNX1 protein (p.Met151Ile).